The following is an entry in ClinVar:

NM_014055.4(IFT81):c.365del (p.Phe121_Leu122insTer)

Gene: IFT81 (intraflagellar transport 81; plus strand). Cytogenetic location: 12q24.11.
Variant type: Deletion.
Coding change: c.365del on transcript NM_014055.4 (MANE Select); coding-DNA position 365, one base deleted (T; older notation c.365delT).
Protein change: p.Phe121_Leu122insTer.
Molecular consequence: nonsense. On other transcripts: 5 prime UTR variant (2), non-coding transcript variant (4).
Genome position (GRCh38, 1-based): chr12:110,129,066, T deleted; the last of 6 consecutive T bases (chr12:110,129,061-110,129,066); deleting any one gives the same sequence. VCF-style (leftmost placement, unchanged base first): chr12-110129060-GT-G. GRCh37 (hg19) VCF-style: chr12-110566865-GT-G.
Other names: c.365del, p.Phe121_Leu122insTer (NM_001143779.2, NM_001347946.2, NM_031473.4); c.-402del (NM_001347947.2, NM_001347948.2).
Identifiers: ClinVar variation 2090156 (VCV002090156.6), dbSNP rs756551252, ClinGen allele CA951730801.

ClinVar aggregate classification (germline): Pathogenic/Likely pathogenic. Review status: criteria provided, multiple submitters, no conflicts (2 of 4 stars). 2 submissions from 2 submitters: Pathogenic (1); Likely pathogenic (1). Last evaluated 2022-07-12.

Conditions:
Short-rib thoracic dysplasia 19 with or without polydactyly. Identifiers: MedGen C4693524, MONDO:0033485, OMIM 617895.

Submissions (2):

Labcorp Genetics (formerly Invitae), Labcorp
Classification: Pathogenic. Last evaluated: 2022-07-12. Review status: criteria provided, single submitter. Criteria: Invitae Variant Classification Sherloc (09022015). Collection method: clinical testing. Allele origin: germline.
Comment: For these reasons, this variant has been classified as Pathogenic. This variant has not been reported in the literature in individuals affected with IFT81-related conditions. This variant is not present in population databases (gnomAD no frequency). This sequence change creates a premature translational stop signal (p.Leu122*) in the IFT81 gene. It is expected to result in an absent or disrupted protein product. Loss-of-function variants in IFT81 are known to be pathogenic (PMID: 26275418, 27666822).

Juno Genomics, Hangzhou Juno Genomics, Inc
Classification: Likely pathogenic for Short-rib thoracic dysplasia 19 with or without polydactyly. Review status: criteria provided, single submitter. Criteria: ACMG Guidelines, 2015. Collection method: clinical testing. Allele origin: germline.
Comment: Null variant in a gene where loss of function (LOF) is a known mechanism of disease.;Absent from controls (or at extremely low frequency if recessive) in Genome Aggregation Database.

Literature cited by the submitters: PubMed 26275418 (cited by Labcorp Genetics (formerly Invitae), Labcorp); PubMed 27666822 (cited by Labcorp Genetics (formerly Invitae), Labcorp).